The following is an entry in ClinVar:

NM_001370595.2(COA8):c.41dup (p.Leu15fs)

Gene: COA8 (cytochrome c oxidase assembly factor 8; plus strand). Cytogenetic location: 14q32.33.
Variant type: Duplication.
Coding change: c.41dup on transcript NM_001370595.2 (MANE Select); coding-DNA position 41, one base duplicated (C; older notation c.41dupC).
Protein change: p.Leu15fs; shifts the reading frame from leucine 15.
Molecular consequence: frameshift variant. On other transcripts: non-coding transcript variant (2).
Genome position (GRCh38, 1-based): chr14:103,563,042, C duplicated; the last of 6 consecutive C bases (chr14:103,563,037-103,563,042); duplicating any one gives the same sequence. VCF-style (leftmost placement, unchanged base first): chr14-103563036-T-TC. GRCh37 (hg19) VCF-style: chr14-104029373-T-TC.
Other names: c.41dup, p.Leu15fs (NM_001302653.2, NM_001302654.2); short protein forms L15fs.
Identifiers: ClinVar variation 638510 (VCV000638510.4), dbSNP rs759966247, ClinGen allele CA7365392.

ClinVar aggregate classification (germline): Pathogenic/Likely pathogenic. Review status: criteria provided, multiple submitters, no conflicts (2 of 4 stars). 2 submissions from 2 submitters: Pathogenic (1); Likely pathogenic (1). Last evaluated 2025-10-01.

Conditions:
Mitochondrial complex IV deficiency, nuclear type 1 (MC4DN1). Also called: COX DEFICIENCY; Mitochondrial complex IV deficiency; Complex 4 mitochondrial respiratory chain deficiency; Deficiency of mitochondrial respiratory chain complex4; Complex IV deficiency. Identifiers: MedGen C5435656, MONDO:0700250, OMIM 220110. Disease mechanism: loss of function.

Submissions (2):

Labcorp Genetics (formerly Invitae), Labcorp
Classification: Pathogenic. Last evaluated: 2025-10-01. Review status: criteria provided, single submitter. Criteria: Invitae Variant Classification Sherloc (09022015). Collection method: clinical testing. Allele origin: germline.
Comment: This sequence change creates a premature translational stop signal (p.Leu28Serfs*40) in the APOPT1 gene. It is expected to result in an absent or disrupted protein product. Loss-of-function variants in APOPT1 are known to be pathogenic (PMID: 25175347). This variant is present in population databases (rs759966247, gnomAD 0.004%). This variant has not been reported in the literature in individuals affected with APOPT1-related conditions. ClinVar contains an entry for this variant (Variation ID: 638510). For these reasons, this variant has been classified as Pathogenic.

Genomic Research Center, Shahid Beheshti University of Medical Sciences
Classification: Likely pathogenic for Hepatic failure, early-onset, and neurologic disorder due to cytochrome C oxidase deficiency. Last evaluated: 2019-04-27. Review status: criteria provided, single submitter. Criteria: ACMG Guidelines, 2015. Collection method: clinical testing. Allele origin: unknown. Affected: no.

Literature cited by the submitters: PubMed 25175347 (cited by Labcorp Genetics (formerly Invitae), Labcorp).